The following is an entry in ClinVar:

ClinVar aggregate classification (germline): Uncertain significance (1 of 4 stars; one submission).

Submission:

Labcorp Genetics (formerly Invitae), Labcorp
Classification: Uncertain significance. Last evaluated: 2025-11-10. Review status: criteria provided, single submitter. Criteria: Invitae Variant Classification Sherloc (09022015). Collection method: clinical testing. Allele origin: germline.
Comment: This sequence change replaces serine, which is neutral and polar, with asparagine, which is neutral and polar, at codon 322 of the NLGN2 protein (p.Ser322Asn). The frequency data for this variant in the population databases is considered unreliable, as metrics indicate poor data quality at this position in the gnomAD database. This variant has not been reported in the literature in individuals affected with NLGN2-related conditions. ClinVar contains an entry for this variant (Variation ID: 2886481). An algorithm developed to predict the effect of missense changes on protein structure and function (PolyPhen-2) suggests that this variant is likely to be tolerated. In summary, the available evidence is currently insufficient to determine the role of this variant in disease. Therefore, it has been classified as a Variant of Uncertain Significance.

NM_020795.4(NLGN2):c.965_966delinsAT (p.Ser322Asn)

Gene: NLGN2 (neuroligin 2; plus strand). Cytogenetic location: 17p13.1.
Variant type: Indel.
Coding change: c.965_966delinsAT on transcript NM_020795.4 (MANE Select); coding-DNA positions 965 to 966, GC replaced by AT.
Protein change: p.Ser322Asn; replaces serine 322 with asparagine.
Molecular consequence: missense variant.
Genome position (GRCh38, 1-based): chr17:7,415,076-7,415,077, GC replaced by AT. VCF-style: chr17-7415076-GC-AT. GRCh37 (hg19) VCF-style: chr17-7318395-GC-AT.
Other names: short protein forms S322N.
Identifiers: ClinVar variation 2886481 (VCV002886481.3), dbSNP rs2507740308, ClinGen allele CA2739267110.